The following is an entry in ClinVar:

ClinVar aggregate classification (germline): Likely benign (1 of 4 stars; one submission).

gnomAD v4.1: 2 of 1,614,130 alleles (0.00012%); highest among the groups gnomAD compares: Non-Finnish European, 0.00017%; no homozygotes.

Submission:

CeGaT Center for Human Genetics Tuebingen
Classification: Likely benign. Last evaluated: 2024-01-01. Review status: criteria provided, single submitter. Criteria: CeGaT Center For Human Genetics Tuebingen Variant Classification Criteria Version 2. Collection method: clinical testing. Allele origin: germline. Affected: yes. Observed: 1 variant allele.
Comment: COQ5: PM2:Supporting, BP4, BP7

NM_032314.4(COQ5):c.156G>T (p.Thr52=)

Gene: COQ5 (coenzyme Q5, methyltransferase; minus strand). Cytogenetic location: 12q24.31.
Variant type: single nucleotide variant.
Coding change: c.156G>T on transcript NM_032314.4 (MANE Select); coding-DNA position 156, G replaced by T.
Protein change: p.Thr52=; no amino-acid change (threonine 52 retained).
Molecular consequence: synonymous variant.
Genome position (GRCh38, 1-based): chr12:120,528,986, C>A on the plus strand (G>T on the coding strand, the complement: COQ5 is on the minus strand). VCF-style: chr12-120528986-C-A. GRCh37 (hg19) VCF-style: chr12-120966789-C-A.
Identifiers: ClinVar variation 3026809 (VCV003026809.22), dbSNP rs763690638, ClinGen allele CA482096398.